The following is an entry in ClinVar:

ClinVar aggregate classification (germline): Likely benign (0 of 4 stars; one submission).

Submission:

ISCA site 1
Classification: Likely benign. Last evaluated: 2011-05-06. Review status: no assertion criteria provided. Collection method: clinical testing. Allele origin: maternal. Affected: yes. Observed: 1 variant allele.
Comment: Copy number variation identified through the course of routine clinical cytogenomic testing in postnatal populations. Clinical assertions have been curated as described in Kaminsky et al. 2011.

Copy number variation identified through the course of routine clinical cytogenomic testing in postnatal populations. Clinical assertions have been curated as described in Kaminsky, et al. 2011 (PubMed 21844811). For additional ClinGen data, please see nstd37.

GRCh38/hg38 3p12.3(chr3:78139492-78690548)x3

Genes: ROBO1 (roundabout guidance receptor 1; minus strand), LOC126806728 (BRD4-independent group 4 enhancer GRCh37_chr3:78315096-78316295; plus strand), LOC126806729 (CDK7 strongly-dependent group 2 enhancer GRCh37_chr3:78392873-78394072; plus strand). Cytogenetic location: 3p12.3.
Variant type: copy number gain.
Change: copy number 3 (three copies instead of two) of chr3:78,139,492-78,690,548 (551.1 kb, GRCh38 coordinates, 1-based), cytogenetic band 3p12.3.
Identifiers: ClinVar variation 146213 (VCV000146213.2).